The following is an entry in ClinVar:

ClinVar aggregate classification (germline): Uncertain significance. Review status: criteria provided, multiple submitters, no conflicts (2 of 4 stars). 2 submissions from 2 submitters: Uncertain significance (2). Last evaluated 2025-03-27.

Conditions:
Hereditary cancer-predisposing syndrome. Also called: Tumor predisposition; Hereditary neoplastic syndrome; Neoplastic Syndromes, Hereditary; Hereditary Cancer Syndrome. Identifiers: Orphanet 140162, MedGen C0027672, MeSH D009386, MONDO:0015356.

Submissions (2):

Ambry Genetics
Classification: Uncertain significance for Hereditary cancer-predisposing syndrome. Last evaluated: 2025-03-27. Review status: criteria provided, single submitter. Criteria: Ambry Variant Classification Scheme 2023. Collection method: clinical testing. Allele origin: germline.
Comment: The p.T299P variant (also known as c.895A>C), located in coding exon 4 of the BARD1 gene, results from an A to C substitution at nucleotide position 895. The threonine at codon 299 is replaced by proline, an amino acid with highly similar properties. This amino acid position is conserved. In addition, the in silico prediction for this alteration is inconclusive. Based on the available evidence, the clinical significance of this variant remains unclear.

GeneDx
Classification: Uncertain significance. Last evaluated: 2023-02-13. Review status: criteria provided, single submitter. Criteria: GeneDx Variant Classification Process June 2021. Collection method: clinical testing. Allele origin: germline. Affected: yes.
Comment: Not observed at significant frequency in large population cohorts (gnomAD); In silico analysis supports that this missense variant does not alter protein structure/function; Has not been previously published as pathogenic or benign to our knowledge

NM_000465.4(BARD1):c.895A>C (p.Thr299Pro)

Gene: BARD1 (BRCA1 associated RING domain 1; minus strand). Cytogenetic location: 2q35.
Variant type: single nucleotide variant.
Coding change: c.895A>C on transcript NM_000465.4 (MANE Select); coding-DNA position 895, A replaced by C.
Protein change: p.Thr299Pro; replaces threonine 299 with proline.
Molecular consequence: missense variant. On other transcripts: non-coding transcript variant (2), intron variant (3).
Genome position (GRCh38, 1-based): chr2:214,780,979, T>G on the plus strand (A>C on the coding strand, the complement: BARD1 is on the minus strand). VCF-style: chr2-214780979-T-G. GRCh37 (hg19) VCF-style: chr2-215645703-T-G.
Other names: c.838A>C, p.Thr280Pro (NM_001282543.2); c.159-28424A>C (NM_001282548.2); c.215+16082A>C (NM_001282545.2); c.364+11318A>C (NM_001282549.2); short protein forms T280P, T299P.
Identifiers: ClinVar variation 2575674 (VCV002575674.2), dbSNP rs1694983227, ClinGen allele CA350455129.
Genomic context (GRCh38, chr2:214,780,979, plus strand): 5'-TATTTTCTAATGGCAAAGATTTCTTAGATGTAAGATAATTTTTGCAGACCTTCTCAGGAG[T>G]CACTACTTCATTCCTGCTCTTAGTGTCTGGAGACTCTATTTGCTCAGCCAATGGTAAAGA-3'
Protein context (NP_000456.2, residues 289-309): PDTKSRNEVV[Thr299Pro]PEKVCKNYLT